The following is an entry in ClinVar:

ClinVar aggregate classification (germline): Uncertain significance (1 of 4 stars; one submission).

Conditions:
Cardiovascular phenotype. Identifiers: MedGen CN230736.

gnomAD v4.1: 1 of 1,612,766 alleles (0.000062%); highest among the groups gnomAD compares: Non-Finnish European, 0.000085%; no homozygotes.

Submission:

Ambry Genetics
Classification: Uncertain significance for Cardiovascular phenotype. Last evaluated: 2026-07-20. Review status: criteria provided, single submitter. Criteria: Ambry Variant Classification Scheme 2023. Collection method: clinical testing. Allele origin: germline.
Comment: The c.25808-3C>A intronic variant results from a C to A substitution 3 nucleotides upstream from coding exon 104 in the TTN gene. This nucleotide position is highly conserved in available vertebrate species. In silico splice site analysis predicts that this alteration will not have any significant effect on splicing. Based on the available evidence, the clinical significance of this variant remains unclear.

NM_001267550.2(TTN):c.53003-3C>A

Genes: TTN (titin; minus strand), TTN-AS1 (TTN antisense RNA 1; plus strand), LOC126806425 (BRD4-independent group 4 enhancer GRCh37_chr2:179471933-179473132; plus strand). Cytogenetic location: 2q31.2.
Variant type: single nucleotide variant.
Coding change: c.53003-3C>A on transcript NM_001267550.2 (MANE Select); 3 bases into the intron before coding-DNA position 53003, C replaced by A.
Molecular consequence: intron variant.
Genome position (GRCh38, 1-based): chr2:178,607,688, G>T on the plus strand (C>A on the coding strand, the complement: TTN is on the minus strand). VCF-style: chr2-178607688-G-T. GRCh37 (hg19) VCF-style: chr2-179472415-G-T.
Other names: c.25808-3C>A (NM_003319.4); c.26384-3C>A (NM_133437.4); c.26183-3C>A (NM_133432.3); c.45299-3C>A (NM_133378.4); c.48080-3C>A (NM_001256850.1).
Identifiers: ClinVar variation 5031465 (VCV005031465.1).